The following is an entry in ClinVar:

NM_001366385.1(CARD14):c.2497G>A (p.Val833Met)

Genes: SGSH (N-sulfoglucosamine sulfohydrolase; minus strand), CARD14 (caspase recruitment domain family member 14; plus strand), LOC126862662 (MED14-independent group 3 enhancer GRCh37_chr17:78178385-78179584; plus strand). Cytogenetic location: 17q25.3.
Variant type: single nucleotide variant.
Coding change: c.2497G>A on transcript NM_001366385.1 (MANE Select); coding-DNA position 2497, G replaced by A.
Protein change: p.Val833Met; replaces valine 833 with methionine.
Molecular consequence: missense variant. On other transcripts: non-coding transcript variant (1).
Genome position (GRCh38, 1-based): chr17:80,205,133, G>A. VCF-style: chr17-80205133-G-A. GRCh37 (hg19) VCF-style: chr17-78178932-G-A.
Other names: c.2497G>A, p.Val833Met (NM_024110.4); short protein forms V833M.
Identifiers: ClinVar variation 834989 (VCV000834989.10), dbSNP rs1310418853, ClinGen allele CA401356068.

ClinVar aggregate classification (germline): Uncertain significance (1 of 4 stars; one submission).

Conditions:
Psoriasis 2. Identifiers: MedGen C1864497, MONDO:0011269, OMIM 602723.
Pityriasis rubra pilaris (PRP). Also called: Pityriasis rubra pilaris--familial type. Identifiers: Orphanet 2897, MedGen C0032027, MONDO:0100017, OMIM 173200, MONDO:0008251.

Allele frequency attached by ClinVar (database versions not stated): gnomAD exomes below 0.00001 and 0.00001; TOPMed below 0.00001.
gnomAD v4.1: 9 of 1,613,720 alleles (0.00056%); highest among the groups gnomAD compares: East Asian, 0.0045%; no homozygotes.

Submission:

Labcorp Genetics (formerly Invitae), Labcorp
Classification: Uncertain significance for Pityriasis rubra pilaris; Psoriasis 2. Last evaluated: 2025-07-21. Review status: criteria provided, single submitter. Criteria: Invitae Variant Classification Sherloc (09022015). Collection method: clinical testing. Allele origin: germline.
Comment: This sequence change replaces valine, which is neutral and non-polar, with methionine, which is neutral and non-polar, at codon 833 of the CARD14 protein (p.Val833Met). This variant is present in population databases (no rsID available, gnomAD 0.003%). This variant has not been reported in the literature in individuals affected with CARD14-related conditions. ClinVar contains an entry for this variant (Variation ID: 834989). Invitae Evidence Modeling of protein sequence and biophysical properties (such as structural, functional, and spatial information, amino acid conservation, physicochemical variation, residue mobility, and thermodynamic stability) indicates that this missense variant is not expected to disrupt CARD14 protein function with a negative predictive value of 95%. In summary, the available evidence is currently insufficient to determine the role of this variant in disease. Therefore, it has been classified as a Variant of Uncertain Significance.